The following is an entry in ClinVar:

ClinVar aggregate classification (germline): Uncertain significance. Review status: criteria provided, multiple submitters, no conflicts (2 of 4 stars). 2 submissions from 2 submitters: Uncertain significance (2). Last evaluated 2025-10-25.

Conditions:
Inborn genetic diseases. Identifiers: MedGen C0950123, MeSH D030342.
Charcot-Marie-Tooth disease axonal type 2Z. Also called: CHARCOT-MARIE-TOOTH DISEASE, AXONAL, AUTOSOMAL DOMINANT, TYPE 2Z; CHARCOT-MARIE-TOOTH NEUROPATHY, TYPE 2Z. Identifiers: Orphanet 466768, MedGen C5569025, MONDO:0014736, OMIM 616688.

Allele frequency attached by ClinVar (database versions not stated): ExAC 0.00003; gnomAD 0.00003; ESP Exome Variant Server 0.00008; gnomAD exomes 0.00002; TOPMed 0.00002.
gnomAD v4.1: 15 of 1,614,060 alleles (0.00093%); highest among the groups gnomAD compares: Non-Finnish European, 0.0013%; no homozygotes.

Submissions (2):

Labcorp Genetics (formerly Invitae), Labcorp
Classification: Uncertain significance for Charcot-Marie-Tooth disease axonal type 2Z. Last evaluated: 2025-10-25. Review status: criteria provided, single submitter. Criteria: Invitae Variant Classification Sherloc (09022015). Collection method: clinical testing. Allele origin: germline.
Comment: This sequence change replaces asparagine, which is neutral and polar, with lysine, which is basic and polar, at codon 702 of the MORC2 protein (p.Asn702Lys). This variant is present in population databases (rs201032497, gnomAD 0.005%). This variant has not been reported in the literature in individuals affected with MORC2-related conditions. ClinVar contains an entry for this variant (Variation ID: 581049). Invitae Evidence Modeling of protein sequence and biophysical properties (such as structural, functional, and spatial information, amino acid conservation, physicochemical variation, residue mobility, and thermodynamic stability) indicates that this missense variant is not expected to disrupt MORC2 protein function with a negative predictive value of 95%. In summary, the available evidence is currently insufficient to determine the role of this variant in disease. Therefore, it has been classified as a Variant of Uncertain Significance.

Ambry Genetics
Classification: Uncertain significance for Inborn genetic diseases. Last evaluated: 2021-03-20. Review status: criteria provided, single submitter. Criteria: Ambry Variant Classification Scheme 2023. Collection method: clinical testing. Allele origin: germline.
Comment: The p.N702K variant (also known as c.2106C>A), located in coding exon 19 of the MORC2 gene, results from a C to A substitution at nucleotide position 2106. The asparagine at codon 702 is replaced by lysine, an amino acid with similar properties. This amino acid position is not well conserved in available vertebrate species. In addition, this alteration is predicted to be tolerated by in silico analysis. Since supporting evidence is limited at this time, the clinical significance of this alteration remains unclear.

NM_001303256.3(MORC2):c.2106C>A (p.Asn702Lys)

Gene: MORC2 (MORC family CW-type zinc finger 2; minus strand). Cytogenetic location: 22q12.2.
Variant type: single nucleotide variant.
Coding change: c.2106C>A on transcript NM_001303256.3 (MANE Select); coding-DNA position 2106, C replaced by A.
Protein change: p.Asn702Lys; replaces asparagine 702 with lysine.
Molecular consequence: missense variant.
Genome position (GRCh38, 1-based): chr22:30,934,868, G>T on the plus strand (C>A on the coding strand, the complement: MORC2 is on the minus strand). VCF-style: chr22-30934868-G-T. GRCh37 (hg19) VCF-style: chr22-31330855-G-T.
Other names: c.2106C>A, p.Asn702Lys (NM_001303257.2); c.1920C>A, p.Asn640Lys (NM_014941.3); short protein forms N640K, N702K.
Identifiers: ClinVar variation 581049 (VCV000581049.12), dbSNP rs201032497, ClinGen allele CA10186770.